The following is an entry in ClinVar:

ClinVar aggregate classification (germline): Conflicting classifications of pathogenicity. Review status: criteria provided, conflicting classifications (1 of 4 stars). 2 submissions from 2 submitters: Likely pathogenic (1); Uncertain significance (1). Last evaluated 2025-09-10.

Conditions:
Intellectual developmental disorder, autosomal dominant 50, with behavioral abnormalities. Also called: MENTAL RETARDATION, AUTOSOMAL DOMINANT 50; Intellectual disability, autosomal dominant 50. Identifiers: MedGen C4540470, MONDO:0030916, OMIM 617787.

Allele frequency attached by ClinVar (database versions not stated): gnomAD exomes below 0.00001.
gnomAD v4.1: 1 of 1,543,496 alleles (0.000065%); highest among the groups gnomAD compares: Non-Finnish European, 0.000088%; no homozygotes.

Submissions (2):

Genomic Medicine Center of Excellence, King Faisal Specialist Hospital and Research Centre
Classification: Uncertain significance for Intellectual developmental disorder, autosomal dominant 50, with behavioral abnormalities. Last evaluated: 2025-09-10. Review status: criteria provided, single submitter. Criteria: ACMG Guidelines, 2015. Collection method: clinical testing. Allele origin: germline.

GeneDx
Classification: Likely pathogenic. Last evaluated: 2023-07-19. Review status: criteria provided, single submitter. Criteria: GeneDx Variant Classification Process June 2021. Collection method: clinical testing. Allele origin: germline. Affected: yes.
Comment: Canonical splice site variant predicted to result in an in-frame loss of the adjacent exon in a gene for which loss of function is a known mechanism of disease; Not observed at significant frequency in large population cohorts (gnomAD); Has not been previously published as pathogenic or benign to our knowledge

NM_057175.5(NAA15):c.812-2A>G

Gene: NAA15 (N-alpha-acetyltransferase 15, NatA auxiliary subunit; plus strand). Cytogenetic location: 4q31.1.
Variant type: single nucleotide variant.
Coding change: c.812-2A>G on transcript NM_057175.5 (MANE Select); the canonical splice acceptor site of the intron before coding-DNA position 812, A replaced by G.
Molecular consequence: splice acceptor variant.
Genome position (GRCh38, 1-based): chr4:139,351,189, A>G. VCF-style: chr4-139351189-A-G. GRCh37 (hg19) VCF-style: chr4-140272343-A-G.
Other names: c.812-2A>G (NM_001410842.1).
Identifiers: ClinVar variation 1223143 (VCV001223143.5), dbSNP rs2110934149, ClinGen allele CA358261174.